The following is an entry in ClinVar:

NM_144585.4(SLC22A12):c.208G>A (p.Glu70Lys)

Gene: SLC22A12 (solute carrier family 22 member 12; plus strand). Cytogenetic location: 11q13.1.
Variant type: single nucleotide variant.
Coding change: c.208G>A on transcript NM_144585.4 (MANE Select); coding-DNA position 208, G replaced by A.
Protein change: p.Glu70Lys; replaces glutamic acid 70 with lysine.
Molecular consequence: missense variant. On other transcripts: 5 prime UTR variant (1).
Genome position (GRCh38, 1-based): chr11:64,591,764, G>A. VCF-style: chr11-64591764-G-A. GRCh37 (hg19) VCF-style: chr11-64359236-G-A.
Other names: c.208G>A, p.Glu70Lys (NM_001276326.2, NM_001276327.2); c.-301G>A (NM_153378.3); c.208G>A (NM_144585.2); short protein forms E70K.
Identifiers: ClinVar variation 2191520 (VCV002191520.6), dbSNP rs755253783, ClinGen allele CA6076997.

ClinVar aggregate classification (germline): Uncertain significance. Review status: criteria provided, multiple submitters, no conflicts (2 of 4 stars). 4 submissions from 4 submitters: Uncertain significance (4). Last evaluated 2024-09-24.

Conditions:
Dalmatian hypouricemia (RHUC1). Identifiers: MedGen C0473219, MONDO:0020728, OMIM 220150.
Inborn genetic diseases. Identifiers: MedGen C0950123, MeSH D030342.

Allele frequency attached by ClinVar (database versions not stated): ExAC 0.00001; gnomAD 0.00002; gnomAD exomes 0.00002; TOPMed 0.00003.
gnomAD v4.1: 38 of 1,612,826 alleles (0.0024%); highest among the groups gnomAD compares: Middle Eastern, 0.066%; no homozygotes.

Submissions (4):

Ambry Genetics
Classification: Uncertain significance for Inborn genetic diseases. Last evaluated: 2024-09-24. Review status: criteria provided, single submitter. Criteria: Ambry Variant Classification Scheme 2023. Collection method: clinical testing. Allele origin: germline.

Fulgent Genetics
Classification: Uncertain significance for Dalmatian hypouricemia. Last evaluated: 2024-06-23. Review status: criteria provided, single submitter. Criteria: ACMG Guidelines, 2015. Collection method: clinical testing. Allele origin: germline.

Labcorp Genetics (formerly Invitae), Labcorp
Classification: Uncertain significance. Last evaluated: 2022-10-10. Review status: criteria provided, single submitter. Criteria: Invitae Variant Classification Sherloc (09022015). Collection method: clinical testing. Allele origin: germline.
Comment: This sequence change replaces glutamic acid, which is acidic and polar, with lysine, which is basic and polar, at codon 70 of the SLC22A12 protein (p.Glu70Lys). This variant is present in population databases (rs755253783, gnomAD 0.003%). This variant has not been reported in the literature in individuals affected with SLC22A12-related conditions. Algorithms developed to predict the effect of missense changes on protein structure and function output the following: SIFT: "Tolerated"; PolyPhen-2: "Benign"; Align-GVGD: "Class C0". The lysine amino acid residue is found in multiple mammalian species, which suggests that this missense change does not adversely affect protein function. In summary, the available evidence is currently insufficient to determine the role of this variant in disease. Therefore, it has been classified as a Variant of Uncertain Significance.

Revvity Omics, Revvity
Classification: Uncertain significance for Dalmatian hypouricemia. Last evaluated: 2021-08-27. Review status: criteria provided, single submitter. Criteria: ACMG Guidelines, 2015. Collection method: clinical testing. Allele origin: germline.